The following is an entry in ClinVar:

ClinVar aggregate classification (germline): Likely pathogenic (1 of 4 stars; one submission).

Conditions:
Cardiovascular phenotype. Identifiers: MedGen CN230736.

Submission:

Ambry Genetics
Classification: Likely pathogenic for Cardiovascular phenotype. Last evaluated: 2025-09-11. Review status: criteria provided, single submitter. Criteria: Ambry Variant Classification Scheme 2023. Collection method: clinical testing. Allele origin: germline.
Comment: The c.36744G>A (p.W12248*) alteration, located in exon 135 (coding exon 134) of the TTN gene, consists of a G to A substitution at nucleotide position 36744. This changes the amino acid from a tryptophan (W) to a stop codon at amino acid position 12248. This variant is expected to result in loss of function by premature protein truncation or nonsense-mediated mRNA decay. This variant was not reported in population-based cohorts in the Genome Aggregation Database (gnomAD). This exon is located in the A-band region of the N2-B isoform of the titin protein and is constitutively expressed in TTN transcripts (percent spliced in or PSI 100%). While truncating variants in TTN are present in 1-3% of the general population, truncating variants in the A-band are the most common cause of dilated cardiomyopathy (Herman, 2012; Roberts, 2015). TTN truncating variants encoded in constitutive exons (PSI >90%) have been found to be significantly associated with DCM regardless of their position in titin (Schafer, 2017; Akhtar, 2020; Massier, 2025). Based on the available evidence, this alteration is classified as likely pathogenic.

Literature cited by the submitters: PubMed 22335739; PubMed 25589632; PubMed 27869827; PubMed 32964742; PubMed 39844436.

NM_001267550.2(TTN):c.63939G>A (p.Trp21313Ter)

Genes: TTN (titin; minus strand), TTN-AS1 (TTN antisense RNA 1; plus strand). Cytogenetic location: 2q31.2.
Variant type: single nucleotide variant.
Coding change: c.63939G>A on transcript NM_001267550.2 (MANE Select); coding-DNA position 63939, G replaced by A.
Protein change: p.Trp21313Ter; replaces tryptophan 21313 with a stop codon.
Molecular consequence: nonsense.
Genome position (GRCh38, 1-based): chr2:178,587,272, C>T on the plus strand (G>A on the coding strand, the complement: TTN is on the minus strand). VCF-style: chr2-178587272-C-T. GRCh37 (hg19) VCF-style: chr2-179451999-C-T.
Other names: c.59016G>A, p.Trp19672Ter (NM_001256850.1); c.36744G>A, p.Trp12248Ter (NM_003319.4); c.56235G>A, p.Trp18745Ter (NM_133378.4); c.37119G>A, p.Trp12373Ter (NM_133432.3); c.37320G>A, p.Trp12440Ter (NM_133437.4); short protein forms W21313*, W12440*, W12248*, W12373*, W18745*, W19672*.
Identifiers: ClinVar variation 4193813 (VCV004193813.1).